The following is an entry in ClinVar:

ClinVar aggregate classification (germline): Uncertain significance (1 of 4 stars; one submission).

Allele frequency attached by ClinVar (database versions not stated): gnomAD exomes below 0.00001; TOPMed below 0.00001; gnomAD 0.00001.
gnomAD v4.1: 3 of 1,614,130 alleles (0.00019%); highest among the groups gnomAD compares: Admixed American, 0.005%; no homozygotes.

Submission:

Labcorp Genetics (formerly Invitae), Labcorp
Classification: Uncertain significance. Last evaluated: 2025-04-21. Review status: criteria provided, single submitter. Criteria: Invitae Variant Classification Sherloc (09022015). Collection method: clinical testing. Allele origin: germline.
Comment: This sequence change replaces glutamic acid, which is acidic and polar, with alanine, which is neutral and non-polar, at codon 325 of the ERCC6 protein (p.Glu325Ala). This variant is not present in population databases (gnomAD no frequency). This variant has not been reported in the literature in individuals affected with ERCC6-related conditions. ClinVar contains an entry for this variant (Variation ID: 2417927). Invitae Evidence Modeling of protein sequence and biophysical properties (such as structural, functional, and spatial information, amino acid conservation, physicochemical variation, residue mobility, and thermodynamic stability) indicates that this missense variant is not expected to disrupt ERCC6 protein function with a negative predictive value of 95%. In summary, the available evidence is currently insufficient to determine the role of this variant in disease. Therefore, it has been classified as a Variant of Uncertain Significance.

NM_000124.4(ERCC6):c.974A>C (p.Glu325Ala)

Gene: ERCC6 (ERCC excision repair 6, chromatin remodeling factor; minus strand). Cytogenetic location: 10q11.23.
Variant type: single nucleotide variant.
Coding change: c.974A>C on transcript NM_000124.4 (MANE Select); coding-DNA position 974, A replaced by C.
Protein change: p.Glu325Ala; replaces glutamic acid 325 with alanine.
Molecular consequence: missense variant.
Genome position (GRCh38, 1-based): chr10:49,524,456, T>G on the plus strand (A>C on the coding strand, the complement: ERCC6 is on the minus strand). VCF-style: chr10-49524456-T-G. GRCh37 (hg19) VCF-style: chr10-50732502-T-G.
Other names: c.974A>C, p.Glu325Ala (NM_001277058.2, NM_001277059.2, NM_001346440.2); short protein forms E325A.
Identifiers: ClinVar variation 2417927 (VCV002417927.6), dbSNP rs1837260609, ClinGen allele CA376753635.
Genomic context (GRCh38, chr10:49,524,456, plus strand): 5'-TTCCCCTGGAACTGCAAAGCCCTCTTCTGGAGTTTCTTGATGTGCTTTTTCAAACGCTCC[T>G]CTTTTTTGGACAGAACTCTGGCTTTCTTGTTTGGTTTGTTTTTATTTTGCACTGGGGCTG-3'
Protein context (NP_000115.1, residues 315-335): NKKARVLSKK[Glu325Ala]ERLKKHIKKL